The following is an entry in ClinVar:

NM_024611.6(ICE2):c.13A>T (p.Met5Leu)

Gene: ICE2 (interactor of little elongation complex ELL subunit 2; minus strand). Cytogenetic location: 15q22.2.
Variant type: single nucleotide variant.
Coding change: c.13A>T on transcript NM_024611.6 (MANE Select); coding-DNA position 13, A replaced by T.
Protein change: p.Met5Leu; replaces methionine 5 with leucine.
Molecular consequence: missense variant. On other transcripts: 5 prime UTR variant (1), non-coding transcript variant (1).
Genome position (GRCh38, 1-based): chr15:60,477,965, T>A on the plus strand (A>T on the coding strand, the complement: ICE2 is on the minus strand). VCF-style: chr15-60477965-T-A. GRCh37 (hg19) VCF-style: chr15-60770164-T-A.
Other names: c.-239A>T (NM_001018089.3); c.13A>T, p.Met5Leu (NM_001276385.2); short protein forms M5L.
Identifiers: ClinVar variation 2632266 (VCV002632266.1), dbSNP rs2505763780, ClinGen allele CA392665928.

ClinVar aggregate classification (germline): Uncertain significance (1 of 4 stars; one submission).

Conditions:
ICE2-related disorder. Also called: ICE2-related condition.

Submission:

PreventionGenetics, part of Exact Sciences
Classification: Uncertain significance for ICE2-related condition. Last evaluated: 2023-07-17. Review status: criteria provided, single submitter. Criteria: ACMG Guidelines, 2015. Collection method: clinical testing. Allele origin: germline.
Comment: The ICE2 c.13A>T variant is predicted to result in the amino acid substitution p.Met5Leu. To our knowledge, this variant has not been reported in the literature or in a large population database, indicating this variant is rare. At this time, the clinical significance of this variant is uncertain due to the absence of conclusive functional and genetic evidence.